The following is an entry in ClinVar:

ClinVar aggregate classification (germline): Likely benign (1 of 4 stars; one submission).

Allele frequency attached by ClinVar (database versions not stated): gnomAD exomes 0.00005; gnomAD 0.00052; TOPMed 0.00058; 1000 Genomes Project 30x 0.00109; 1000 Genomes Project 0.00120.
gnomAD v4.1: 92 of 397,736 alleles (0.023%); highest among the groups gnomAD compares: African/African-American, 0.16%; no homozygotes.

Submission:

CeGaT Center for Human Genetics Tuebingen
Classification: Likely benign. Last evaluated: 2024-01-01. Review status: criteria provided, single submitter. Criteria: CeGaT Center For Human Genetics Tuebingen Variant Classification Criteria Version 2. Collection method: clinical testing. Allele origin: germline. Affected: yes. Observed: 1 variant allele.
Comment: KCNQ1OT1: BS1

NM_000218.3(KCNQ1):c.1514+8451C>T

Genes: KCNQ1 (potassium voltage-gated channel subfamily Q member 1; plus strand), KCNQ1OT1 (KCNQ1 opposite strand/antisense transcript 1; minus strand). Cytogenetic location: 11p15.5.
Variant type: single nucleotide variant.
Coding change: c.1514+8451C>T on transcript NM_000218.3 (MANE Select); 8451 bases into the intron after coding-DNA position 1514, C replaced by T.
Molecular consequence: intron variant. On other transcripts: non-coding transcript variant (1).
Genome position (GRCh38, 1-based): chr11:2,670,532, C>T. VCF-style: chr11-2670532-C-T. GRCh37 (hg19) VCF-style: chr11-2691762-C-T.
Other names: c.1244+8451C>T (NM_001406837.1); c.1418+8451C>T (NM_001406836.1); c.974+8451C>T (NM_001406838.1); c.1133+8451C>T (NM_181798.2).
Identifiers: ClinVar variation 3026367 (VCV003026367.22), dbSNP rs149162385, ClinGen allele CA216177614.